The following is an entry in ClinVar:

ClinVar aggregate classification (germline): Uncertain significance (1 of 4 stars; one submission).

Conditions:
Inborn genetic diseases. Identifiers: MedGen C0950123, MeSH D030342.

gnomAD v4.1: 1 of 1,614,182 alleles (0.000062%); highest among the groups gnomAD compares: Middle Eastern, 0.016%; no homozygotes.

Submission:

Ambry Genetics
Classification: Uncertain significance for Inborn genetic diseases. Last evaluated: 2023-03-07. Review status: criteria provided, single submitter. Criteria: Ambry Variant Classification Scheme 2023. Collection method: clinical testing. Allele origin: germline.
Comment: The p.G154C variant (also known as c.460G>T), located in coding exon 4 of the MCOLN1 gene, results from a G to T substitution at nucleotide position 460. The glycine at codon 154 is replaced by cysteine, an amino acid with highly dissimilar properties. This amino acid position is conserved. In addition, the in silico prediction for this alteration is inconclusive. Since supporting evidence is limited at this time, the clinical significance of this alteration remains unclear.

NM_020533.3(MCOLN1):c.460G>T (p.Gly154Cys)

Gene: MCOLN1 (mucolipin TRP cation channel 1; plus strand). Cytogenetic location: 19p13.2.
Variant type: single nucleotide variant.
Coding change: c.460G>T on transcript NM_020533.3 (MANE Select); coding-DNA position 460, G replaced by T.
Protein change: p.Gly154Cys; replaces glycine 154 with cysteine.
Molecular consequence: missense variant.
Genome position (GRCh38, 1-based): chr19:7,526,815, G>T. VCF-style: chr19-7526815-G-T. GRCh37 (hg19) VCF-style: chr19-7591701-G-T.
Other names: short protein forms G154C.
Identifiers: ClinVar variation 2453920 (VCV002453920.2), dbSNP rs1454280672, ClinGen allele CA403081338.
Genomic context (GRCh38, chr19:7,526,815, plus strand): 5'-CCACAGTACCTGGCGTTGCCTGACGTGTCACTGGGCCGGTATGCGTATGTCCGTGGTGGG[G>T]GTGACCCTTGGACCAATGGCTCAGGGCTTGCTCTCTGCCAGCGGTACTACCACCGAGGCC-3'
Protein context (NP_065394.1, residues 144-164): LGRYAYVRGG[Gly154Cys]DPWTNGSGLA